The following is an entry in ClinVar:

ClinVar aggregate classification (germline): Pathogenic. Review status: reviewed by expert panel (3 of 4 stars). 2 submissions from 2 submitters: Pathogenic (1). 1 of the submissions does not count toward it. Last evaluated 2016-10-18.

Conditions:
Breast-ovarian cancer, familial, susceptibility to, 2 (BROVCA2). Also called: BRCA2 Hereditary Breast and Ovarian Cancer. Identifiers: Orphanet 145, MedGen C2675520, MONDO:0012933, OMIM 612555. Disease mechanism: loss of function.

Submissions (2):

Evidence-based Network for the Interpretation of Germline Mutant Alleles (ENIGMA)
Classification: Pathogenic for Breast-ovarian cancer, familial, susceptibility to, 2. Last evaluated: 2016-10-18. Review status: reviewed by expert panel. Criteria: ENIGMA BRCA1/2 Classification Criteria (2015). Collection method: curation. Allele origin: germline.
Comment: Variant allele predicted to encode a truncated non-functional protein.

Consortium of Investigators of Modifiers of BRCA1/2 (CIMBA), c/o University of Cambridge
Classification: Pathogenic for Breast-ovarian cancer, familial, susceptibility to, 2. Last evaluated: 2015-10-02. Review status: criteria provided, single submitter. Criteria: CIMBA Mutation Classification guidelines May 2016. Collection method: clinical testing. Allele origin: germline. Not counted in ClinVar's aggregate classification.

NM_000059.4(BRCA2):c.3637del (p.Glu1213fs)

Gene: BRCA2 (BRCA2 DNA repair associated; plus strand). Cytogenetic location: 13q13.1.
Variant type: Deletion.
Coding change: c.3637del on transcript NM_000059.4 (MANE Select); coding-DNA position 3637, one base deleted (G; older notation c.3637delG).
Protein change: p.Glu1213fs; shifts the reading frame from glutamic acid 1213.
Molecular consequence: frameshift variant.
Genome position (GRCh38, 1-based): chr13:32,337,992, G deleted. VCF-style (leftmost placement, unchanged base first): chr13-32337991-TG-T. GRCh37 (hg19) VCF-style: chr13-32912128-TG-T.
Other names: 3865delG-ter1227; short protein forms E1213fs.
Identifiers: ClinVar variation 266763 (VCV000266763.5), dbSNP rs886040487, ClinGen allele CA10589215.
Genomic context (GRCh38, chr13:32,337,991, plus strand): 5'-TGCTGGCCTGTTGAAAAATGACTGTAACAAAAGTGCTTCTGGTTATTTAACAGATGAAAA[TG>T]AAGTGGGGTTTAGGGGCTTTTATTCTGCTCATGGCACAAAACTGAATGTTTCTACTGAAG-3'